The following is an entry in ClinVar:

ClinVar aggregate classification (germline): Uncertain significance (1 of 4 stars; one submission).

Submission:

Labcorp Genetics (formerly Invitae), Labcorp
Classification: Uncertain significance. Last evaluated: 2020-02-03. Review status: criteria provided, single submitter. Criteria: Invitae Variant Classification Sherloc (09022015). Collection method: clinical testing. Allele origin: germline.
Comment: In summary, the available evidence is currently insufficient to determine the role of this variant in disease. Therefore, it has been classified as a Variant of Uncertain Significance. Algorithms developed to predict the effect of missense changes on protein structure and function output the following: SIFT: "Tolerated"; PolyPhen-2: "Benign"; Align-GVGD: "Class C0". The serine amino acid residue is found in multiple mammalian species, suggesting that this missense change does not adversely affect protein function. These predictions have not been confirmed by published functional studies and their clinical significance is uncertain. This variant has not been reported in the literature in individuals with KIAA1549-related conditions. This variant is not present in population databases (ExAC no frequency). This sequence change replaces proline with serine at codon 616 of the KIAA1549 protein (p.Pro616Ser). The proline residue is weakly conserved and there is a moderate physicochemical difference between proline and serine.

NM_001164665.2(KIAA1549):c.1846C>T (p.Pro616Ser)

Gene: KIAA1549 (KIAA1549; minus strand). Cytogenetic location: 7q34.
Variant type: single nucleotide variant.
Coding change: c.1846C>T on transcript NM_001164665.2 (MANE Select); coding-DNA position 1846, C replaced by T.
Protein change: p.Pro616Ser; replaces proline 616 with serine.
Molecular consequence: missense variant.
Genome position (GRCh38, 1-based): chr7:138,917,780, G>A on the plus strand (C>T on the coding strand, the complement: KIAA1549 is on the minus strand). VCF-style: chr7-138917780-G-A. GRCh37 (hg19) VCF-style: chr7-138602526-G-A.
Other names: c.1846C>T, p.Pro616Ser (NM_020910.3); short protein forms P616S.
Identifiers: ClinVar variation 1016641 (VCV001016641.9), dbSNP rs1584754941, ClinGen allele CA369396524.